The following is an entry in ClinVar:

NM_019066.5(MAGEL2):c.3706G>A (p.Gly1236Ser)

Gene: MAGEL2 (MAGE family member L2; minus strand). Cytogenetic location: 15q11.2.
Variant type: single nucleotide variant.
Coding change: c.3706G>A on transcript NM_019066.5 (MANE Select); coding-DNA position 3706, G replaced by A.
Protein change: p.Gly1236Ser; replaces glycine 1236 with serine.
Molecular consequence: missense variant.
Genome position (GRCh38, 1-based): chr15:23,644,037, C>T on the plus strand (G>A on the coding strand, the complement: MAGEL2 is on the minus strand). VCF-style: chr15-23644037-C-T. GRCh37 (hg19) VCF-style: chr15-23889184-C-T.
Other names: c.3706G>A (NM_019066.4); short protein forms G1236S.
Identifiers: ClinVar variation 2062231 (VCV002062231.8), dbSNP rs753063313, ClinGen allele CA7429653.

ClinVar aggregate classification (germline): Conflicting classifications of pathogenicity. Review status: criteria provided, conflicting classifications (1 of 4 stars). 4 submissions from 4 submitters: Uncertain significance (1); Likely benign (2). 1 of the submissions does not count toward it. Last evaluated 2025-06-10.

Conditions:
Inborn genetic diseases. Identifiers: MedGen C0950123, MeSH D030342.
MAGEL2-related disorder. Also called: MAGEL2-related condition.

Allele frequency attached by ClinVar (database versions not stated): ExAC 0.00001; gnomAD 0.00001; TOPMed 0.00002.
gnomAD v4.1: 68 of 1,610,684 alleles (0.0042%); highest among the groups gnomAD compares: Non-Finnish European, 0.0055%; no homozygotes.

Submissions (4):

Ambry Genetics
Classification: Likely benign for Inborn genetic diseases. Last evaluated: 2025-06-10. Review status: criteria provided, single submitter. Criteria: Ambry Variant Classification Scheme 2023. Collection method: clinical testing. Allele origin: germline.

Blueprint Genetics
Classification: Likely benign. Last evaluated: 2024-05-17. Review status: criteria provided, single submitter. Criteria: ACMG Guidelines, 2015. Collection method: clinical testing. Allele origin: germline.

Labcorp Genetics (formerly Invitae), Labcorp
Classification: Uncertain significance. Last evaluated: 2024-04-27. Review status: criteria provided, single submitter. Criteria: Invitae Variant Classification Sherloc (09022015). Collection method: clinical testing. Allele origin: germline.
Comment: This sequence change replaces glycine, which is neutral and non-polar, with serine, which is neutral and polar, at codon 1236 of the MAGEL2 protein (p.Gly1236Ser). This variant is present in population databases (rs753063313, gnomAD 0.003%). This variant has not been reported in the literature in individuals affected with MAGEL2-related conditions. ClinVar contains an entry for this variant (Variation ID: 2062231). Advanced modeling of protein sequence and biophysical properties (such as structural, functional, and spatial information, amino acid conservation, physicochemical variation, residue mobility, and thermodynamic stability) performed at Invitae indicates that this missense variant is not expected to disrupt MAGEL2 protein function with a negative predictive value of 80%. In summary, the available evidence is currently insufficient to determine the role of this variant in disease. Therefore, it has been classified as a Variant of Uncertain Significance.

PreventionGenetics, part of Exact Sciences
Classification: Likely benign for MAGEL2-related condition. Last evaluated: 2024-05-07. Review status: no assertion criteria provided. Collection method: clinical testing. Allele origin: germline. Not counted in ClinVar's aggregate classification.
Comment: This variant is classified as likely benign based on ACMG/AMP sequence variant interpretation guidelines (Richards et al. 2015 PMID: 25741868, with internal and published modifications).